The following is an entry in ClinVar:

NM_003000.3(SDHB):c.642+1G>A

Gene: SDHB (succinate dehydrogenase complex iron sulfur subunit B; minus strand). Cytogenetic location: 1p36.13.
Variant type: single nucleotide variant.
Coding change: c.642+1G>A on transcript NM_003000.3 (MANE Select); the canonical splice donor site of the intron after coding-DNA position 642, G replaced by A.
Molecular consequence: splice donor variant.
Genome position (GRCh38, 1-based): chr1:17,023,972, C>T on the plus strand (G>A on the coding strand, the complement: SDHB is on the minus strand). VCF-style: chr1-17023972-C-T. GRCh37 (hg19) VCF-style: chr1-17350467-C-T.
Other names: c.588+1G>A (NM_001407361.1).
Identifiers: ClinVar variation 438425 (VCV000438425.12), dbSNP rs1131691052, ClinGen allele CA338270921.
Genomic context (GRCh38, chr1:17,023,972, plus strand): 5'-CTCTTGGACTTCTGGATGCTTGAGTTTCAATTTCTCTTAAAGCAATTAAGGAGCACCTCA[C>T]CTGCATAAGAACTGCAGGCCCCAGATATTTGTCTCCGTTCCACCAGTAGCTGGGGCAGCT-3'

ClinVar aggregate classification (germline): Pathogenic. Review status: criteria provided, multiple submitters, no conflicts (2 of 4 stars). 4 submissions from 4 submitters: Pathogenic (3). 1 of the submissions does not count toward it. Last evaluated 2022-05-27.

Conditions:
Hereditary pheochromocytoma and paraganglioma. Also called: Hereditary Paraganglioma-Pheochromocytoma Syndromes; Hereditary pheochromocytoma-paraganglioma; Hereditary paragangliomas and pheochromocytomas. Identifiers: Orphanet 29072, MedGen C4274332, MONDO:0017366.
Pheochromocytoma/paraganglioma syndrome 4. Also called: PARAGANGLIOMA, FAMILIAL MALIGNANT; PARAGANGLIOMAS, HEREDITARY EXTRAADRENAL; PHEOCHROMOCYTOMA, FAMILIAL EXTRAADRENAL; Paragangliomas 4; CAROTID BODY TUMORS AND MULTIPLE EXTRAADRENAL PHEOCHROMOCYTOMAS; SDHB-Related Hereditary Paraganglioma-Pheochromocytoma Syndrome (Paragangliomas 4). Identifiers: Orphanet 29072, MedGen C1861848, MONDO:0007273, OMIM 115310.
Gastrointestinal stromal tumor. Also called: Gastrointestinal stroma tumor; Gastrointestinal stromal tumor, somatic. Identifiers: Orphanet 44890, MedGen C0238198, MeSH D046152, MONDO:0011719, OMIM 606764, HP:0100723.
Pheochromocytoma. Also called: MAX-Related Hereditary Paraganglioma-Pheochromocytoma Syndrome. Identifiers: Orphanet 29072, MedGen C0031511, MONDO:0008233, OMIM 171300, HP:0002666.

Submissions (4):

Labcorp Genetics (formerly Invitae), Labcorp
Classification: Pathogenic for Gastrointestinal stromal tumor; Pheochromocytoma/paraganglioma syndrome 4; Pheochromocytoma. Last evaluated: 2022-05-27. Review status: criteria provided, single submitter. Criteria: Invitae Variant Classification Sherloc (09022015). Collection method: clinical testing. Allele origin: germline.
Comment: This sequence change affects a donor splice site in intron 6 of the SDHB gene. It is expected to disrupt RNA splicing. Variants that disrupt the donor or acceptor splice site typically lead to a loss of protein function (PMID: 16199547), and loss-of-function variants in SDHB are known to be pathogenic (PMID: 19454582, 19802898). This variant is not present in population databases (gnomAD no frequency). Disruption of this splice site has been observed in individuals with clinical features of hereditary paraganglioma-pheochromocytoma (PGL-PCC) syndrome (PMID: 28374168, 30201732, 31492822; Invitae). ClinVar contains an entry for this variant (Variation ID: 438425). Algorithms developed to predict the effect of sequence changes on RNA splicing suggest that this variant may disrupt the consensus splice site. For these reasons, this variant has been classified as Pathogenic.

Mayo Clinic Laboratories, Mayo Clinic
Classification: Pathogenic. Last evaluated: 2022-03-17. Review status: criteria provided, single submitter. Criteria: ACMG Guidelines, 2015. Collection method: clinical testing. Allele origin: germline. Observed: 1 variant allele.
Comment: PP4, PM2, PVS1

GeneDx
Classification: Pathogenic. Last evaluated: 2019-05-22. Review status: criteria provided, single submitter. Criteria: GeneDx Variant Classification Process June 2021. Collection method: clinical testing. Allele origin: germline. Affected: yes.
Comment: Canonical splice site variant predicted to result in an in-frame deletion of a critical region, multiple missense variants as DM in HGMD and as PATH/LPATH/ACMG were seen at GDX; Not observed in large population cohorts (Lek et al., 2016); This variant is associated with the following publications: (PMID: 25695889, 25371406, 19215943, 28374168, 26259135, 30201732)

Section on Medical Neuroendocrinolgy, National Institutes of Health
Classification: Pathogenic for Hereditary pheochromocytoma and paraganglioma. Review status: no assertion criteria provided. Collection method: research. Allele origin: germline. Affected: yes. Not counted in ClinVar's aggregate classification.

Literature cited by the submitters: PubMed 16199547 (cited by Labcorp Genetics (formerly Invitae), Labcorp); PubMed 19454582 (cited by Labcorp Genetics (formerly Invitae), Labcorp); PubMed 19802898 (cited by Labcorp Genetics (formerly Invitae), Labcorp); PubMed 28374168 (cited by Labcorp Genetics (formerly Invitae), Labcorp); PubMed 30201732 (cited by Labcorp Genetics (formerly Invitae), Labcorp); PubMed 31492822 (cited by Labcorp Genetics (formerly Invitae), Labcorp).